The following is an entry in ClinVar:

NM_005732.4(RAD50):c.1289A>T (p.Asp430Val)

Gene: RAD50 (RAD50 double strand break repair protein; plus strand). Cytogenetic location: 5q31.1.
Variant type: single nucleotide variant.
Coding change: c.1289A>T on transcript NM_005732.4 (MANE Select); coding-DNA position 1289, A replaced by T.
Protein change: p.Asp430Val; replaces aspartic acid 430 with valine.
Molecular consequence: missense variant.
Genome position (GRCh38, 1-based): chr5:132,589,674, A>T. VCF-style: chr5-132589674-A-T. GRCh37 (hg19) VCF-style: chr5-131925366-A-T.
Other names: short protein forms D430V.
Identifiers: ClinVar variation 408365 (VCV000408365.17), dbSNP rs557802139, ClinGen allele CA3405152.

ClinVar aggregate classification (germline): Uncertain significance. Review status: criteria provided, multiple submitters, no conflicts (2 of 4 stars). 5 submissions from 5 submitters: Uncertain significance (5). Last evaluated 2025-12-08.

Conditions:
Hereditary cancer-predisposing syndrome. Also called: Hereditary Cancer Syndrome; Hereditary neoplastic syndrome; Neoplastic Syndromes, Hereditary; Tumor predisposition. Identifiers: Orphanet 140162, MedGen C0027672, MeSH D009386, MONDO:0015356.
Nijmegen breakage syndrome-like disorder (NBSLD). Also called: MICROCEPHALY AND SPONTANEOUS CHROMOSOME INSTABILITY WITHOUT IMMUNODEFICIENCY; NBS-LIKE DISORDER; RAD50 DEFICIENCY. Identifiers: Orphanet 240760, MedGen C2751318, MONDO:0013118, OMIM 613078.
Familial cancer of breast. Also called: BREAST CANCER, FAMILIAL; Hereditary breast cancer; hereditary breast carcinoma. Identifiers: Orphanet 227535, MedGen C0346153, MONDO:0016419, OMIM 114480. Disease mechanism: loss of function.

Allele frequency attached by ClinVar (database versions not stated): gnomAD below 0.00001 and 0.00003; TOPMed 0.00001; gnomAD exomes 0.00010; ExAC 0.00011; 1000 Genomes Project 30x 0.00031; 1000 Genomes Project 0.00040.
gnomAD v4.1: 67 of 1,608,782 alleles (0.0042%); highest among the groups gnomAD compares: South Asian, 0.073%; no homozygotes.

Submissions (5):

Labcorp Genetics (formerly Invitae), Labcorp
Classification: Uncertain significance for Hereditary cancer-predisposing syndrome. Last evaluated: 2025-12-08. Review status: criteria provided, single submitter. Criteria: Invitae Variant Classification Sherloc (09022015). Collection method: clinical testing. Allele origin: germline.
Comment: This sequence change replaces aspartic acid, which is acidic and polar, with valine, which is neutral and non-polar, at codon 430 of the RAD50 protein (p.Asp430Val). This variant is present in population databases (rs557802139, gnomAD 0.08%). This variant has not been reported in the literature in individuals affected with RAD50-related conditions. ClinVar contains an entry for this variant (Variation ID: 408365). Invitae Evidence Modeling of protein sequence and biophysical properties (such as structural, functional, and spatial information, amino acid conservation, physicochemical variation, residue mobility, and thermodynamic stability) indicates that this missense variant is expected to disrupt RAD50 protein function with a positive predictive value of 80%. In summary, the available evidence is currently insufficient to determine the role of this variant in disease. Therefore, it has been classified as a Variant of Uncertain Significance.

KCCC/NGS Laboratory, Kuwait Cancer Control Center
Classification: Uncertain significance for Familial cancer of breast. Last evaluated: 2024-07-31. Review status: criteria provided, single submitter. Criteria: ACMG Guidelines, 2015. Collection method: clinical testing. Allele origin: germline. Inheritance: Autosomal dominant inheritance. Affected: yes. Observed: 1 heterozygote.
Comment: This sequence change replaces aspartic acid, which is acidic and polar, with valine, which is neutral and non-polar, at codon 430 of the RAD50 protein (p.Asp430Val).This variant has not been reported in the literature in individuals affected with RAD50-related conditions. This variant is present in population databases (rs557802139, gnomAD 0.08%). ClinVar contains an entry for this variant (Variation ID: 408365). In-silico predictions show conflicting computational verdict . In summary, the available evidence is currently insufficient to determine the role of this variant in disease. Therefore, it has been classified as a Variant of Uncertain Significance.

Quest Diagnostics Nichols Institute San Juan Capistrano
Classification: Uncertain significance. Last evaluated: 2024-06-06. Review status: criteria provided, single submitter. Criteria: Quest Diagnostics criteria. Collection method: clinical testing. Allele origin: unknown.
Comment: The RAD50 c.1289A>T (p.Asp430Val) variant has been reported in the published literature in an individual with breast cancer as well as reportedly healthy individuals (PMID: 33471991 (2021), see also LOVD). The frequency of this variant in the general population, 0.00083 (25/29982 chromosomes in South Asian subpopulation (Genome Aggregation Database)), is higher than would generally be expected for pathogenic variants in this gene. Analysis of this variant using bioinformatics tools for the prediction of the effect of amino acid changes on protein structure and function yielded conflicting predictions that this variant is benign or damaging. Based on the available information, we are unable to determine the clinical significance of this variant.

Baylor Genetics
Classification: Uncertain significance for Nijmegen breakage syndrome-like disorder. Last evaluated: 2024-03-13. Review status: criteria provided, single submitter. Criteria: ACMG Guidelines, 2015. Collection method: clinical testing. Allele origin: unknown.

Ambry Genetics
Classification: Uncertain significance for Hereditary cancer-predisposing syndrome. Last evaluated: 2023-07-19. Review status: criteria provided, single submitter. Criteria: Ambry Variant Classification Scheme 2023. Collection method: clinical testing. Allele origin: germline.

Literature cited by the submitters: PubMed 33471991 (cited by Quest Diagnostics Nichols Institute San Juan Capistrano).